The following is an entry in ClinVar:

NM_003901.4(SGPL1):c.128T>C (p.Ile43Thr)

Gene: SGPL1 (sphingosine-1-phosphate lyase 1; plus strand). Cytogenetic location: 10q22.1.
Variant type: single nucleotide variant.
Coding change: c.128T>C on transcript NM_003901.4 (MANE Select); coding-DNA position 128, T replaced by C.
Protein change: p.Ile43Thr; replaces isoleucine 43 with threonine.
Molecular consequence: missense variant. On other transcripts: 5 prime UTR variant (1), non-coding transcript variant (1).
Genome position (GRCh38, 1-based): chr10:70,844,573, T>C. VCF-style: chr10-70844573-T-C. GRCh37 (hg19) VCF-style: chr10-72604330-T-C.
Other names: c.-113T>C (NM_001437828.1); c.128T>C, p.Ile43Thr (NM_001438353.1, NM_001438354.1, NM_001438355.1 and 2 more transcripts); short protein forms I43T.
Identifiers: ClinVar variation 4807535 (VCV004807535.1).

ClinVar aggregate classification (germline): Uncertain significance (1 of 4 stars; one submission).

gnomAD v4.1: 1 of 1,614,204 alleles (0.000062%); highest among the groups gnomAD compares: Non-Finnish European, 0.000085%; no homozygotes.

Submission:

Labcorp Genetics (formerly Invitae), Labcorp
Classification: Uncertain significance. Last evaluated: 2025-12-19. Review status: criteria provided, single submitter. Criteria: Invitae Variant Classification Sherloc (09022015). Collection method: clinical testing. Allele origin: germline.
Comment: This sequence change replaces isoleucine, which is neutral and non-polar, with threonine, which is neutral and polar, at codon 43 of the SGPL1 protein (p.Ile43Thr). This variant is not present in population databases (gnomAD no frequency). This variant has not been reported in the literature in individuals affected with SGPL1-related conditions. An algorithm developed to predict the effect of missense changes on protein structure and function (PolyPhen-2) suggests that this variant is likely to be disruptive. In summary, the available evidence is currently insufficient to determine the role of this variant in disease. Therefore, it has been classified as a Variant of Uncertain Significance.